The following is an entry in ClinVar:

NM_004525.3(LRP2):c.10403C>T (p.Pro3468Leu)

Gene: LRP2 (LDL receptor related protein 2; minus strand). Cytogenetic location: 2q31.1.
Variant type: single nucleotide variant.
Coding change: c.10403C>T on transcript NM_004525.3 (MANE Select); coding-DNA position 10403, C replaced by T.
Protein change: p.Pro3468Leu; replaces proline 3468 with leucine.
Molecular consequence: missense variant.
Genome position (GRCh38, 1-based): chr2:169,176,579, G>A on the plus strand (C>T on the coding strand, the complement: LRP2 is on the minus strand). VCF-style: chr2-169176579-G-A. GRCh37 (hg19) VCF-style: chr2-170033089-G-A.
Other names: p.Pro3468Leu; short protein forms P3468L.
Identifiers: ClinVar variation 332103 (VCV000332103.23), dbSNP rs143367996, ClinGen allele CA1953362.

ClinVar aggregate classification (germline): Benign/Likely benign. Review status: criteria provided, multiple submitters, no conflicts (2 of 4 stars). 9 submissions from 9 submitters: Benign (3); Likely benign (4). 2 of the submissions do not count toward it. Last evaluated 2026-01-28.

Conditions:
Donnai-Barrow syndrome. Also called: DBS/FOAR SYNDROME; FACIOOCULOACOUSTICORENAL SYNDROME. Identifiers: Orphanet 2143, MedGen C1857277, MONDO:0009104, OMIM 222448.

Allele frequency attached by ClinVar (database versions not stated): gnomAD exomes 0.00191; ExAC 0.00229; TOPMed 0.00667; gnomAD 0.00689 and 0.00734; 1000 Genomes Project 30x 0.00796; ESP Exome Variant Server 0.00830; 1000 Genomes Project 0.00839.
gnomAD v4.1: 2,344 of 1,614,014 alleles (0.15%); highest among the groups gnomAD compares: African/African-American, 2.3%; 30 homozygotes.

Submissions (9):

Labcorp Genetics (formerly Invitae), Labcorp
Classification: Benign. Last evaluated: 2026-01-28. Review status: criteria provided, single submitter. Criteria: Invitae Variant Classification Sherloc (09022015). Collection method: clinical testing. Allele origin: germline.

Mayo Clinic Laboratories, Mayo Clinic
Classification: Likely benign. Last evaluated: 2025-01-04. Review status: criteria provided, single submitter. Criteria: ACMG Guidelines, 2015. Collection method: clinical testing. Allele origin: germline. Observed: 2 variant alleles.
Comment: BS1

Fulgent Genetics
Classification: Likely benign for Donnai-Barrow syndrome. Last evaluated: 2021-09-29. Review status: criteria provided, single submitter. Criteria: ACMG Guidelines, 2015. Collection method: clinical testing. Allele origin: unknown.

Genome-Nilou Lab
Classification: Benign for Donnai-Barrow syndrome. Last evaluated: 2021-07-15. Review status: criteria provided, single submitter. Criteria: ACMG Guidelines, 2015. Collection method: clinical testing. Allele origin: germline. Affected: no.

Illumina Laboratory Services, Illumina
Classification: Benign for Donnai-Barrow syndrome. Last evaluated: 2018-01-13. Review status: criteria provided, single submitter. Criteria: ICSL Variant Classification Criteria 13 December 2019. Collection method: clinical testing. Allele origin: germline.
Comment: This variant was observed in the ICSL laboratory as part of a predisposition screen in an ostensibly healthy population. It had not been previously curated by ICSL or reported in the Human Gene Mutation Database (HGMD: prior to June 1st, 2018), and was therefore a candidate for classification through an automated scoring system. Utilizing variant allele frequency, disease prevalence and penetrance estimates, and inheritance mode, an automated score was calculated to assess if this variant is too frequent to cause the disease. Based on the score and internal cut-off values, a variant classified as benign is not then subjected to further curation. The score for this variant resulted in a classification of benign for this disease.

Center for Pediatric Genomic Medicine, Children's Mercy Hospital and Clinics
Classification: Likely benign. Last evaluated: 2017-03-10. Review status: criteria provided, single submitter. Criteria: ACMG Guidelines, 2015. Collection method: clinical testing. Allele origin: germline.

Breakthrough Genomics
Classification: Likely benign. Review status: criteria provided, single submitter. Criteria: ACMG Guidelines, 2015. Collection method: not provided. Allele origin: germline. Inheritance: Autosomal recessive inheritance. Affected: yes.

Clinical Genetics DNA and cytogenetics Diagnostics Lab, Erasmus MC, Erasmus Medical Center
Classification: Benign. Review status: no assertion criteria provided. Collection method: clinical testing. Allele origin: germline. Affected: yes. Study: VKGL Data-share Consensus. Not counted in ClinVar's aggregate classification.

Laboratory of Diagnostic Genome Analysis, Leiden University Medical Center (LUMC)
Classification: Likely benign. Review status: no assertion criteria provided. Collection method: clinical testing. Allele origin: germline. Affected: yes. Study: VKGL Data-share Consensus. Not counted in ClinVar's aggregate classification.